The following is an entry in ClinVar:

ClinVar aggregate classification (germline): Conflicting classifications of pathogenicity. Review status: criteria provided, conflicting classifications (1 of 4 stars). 3 submissions from 3 submitters: Uncertain significance (1); Likely benign (1). 1 of the submissions does not count toward it. Last evaluated 2023-11-17.

Conditions:
MKKS-related disorder. Also called: MKKS-related condition; MKKS-related disorders.
McKusick-Kaufman syndrome (MKKS). Also called: HYDROMETROCOLPOS SYNDROME; HYDROMETROCOLPOS, POSTAXIAL POLYDACTYLY, AND CONGENITAL HEART MALFORMATION. Identifiers: Orphanet 2473, MedGen C0948368, MONDO:0009367, OMIM 236700.
Bardet-Biedl syndrome (BBS). Identifiers: Orphanet 110, MedGen C0752166, MONDO:0015229.

Allele frequency attached by ClinVar (database versions not stated): gnomAD 0.00001; gnomAD exomes 0.00001; ExAC 0.00002; TOPMed 0.00002; ESP Exome Variant Server 0.00008.
gnomAD v4.1: 1 of 1,603,288 alleles (0.000062%); highest among the groups gnomAD compares: African/African-American, 0.0013%; no homozygotes.

Submissions (3):

Labcorp Genetics (formerly Invitae), Labcorp
Classification: Likely benign for McKusick-Kaufman syndrome; Bardet-Biedl syndrome. Last evaluated: 2023-11-17. Review status: criteria provided, single submitter. Criteria: Invitae Variant Classification Sherloc (09022015). Collection method: clinical testing. Allele origin: germline.

Genetic Services Laboratory, University of Chicago
Classification: Uncertain significance. Last evaluated: 2021-05-25. Review status: criteria provided, single submitter. Criteria: ACMG Guidelines, 2015. Collection method: clinical testing. Allele origin: germline. Affected: no.

PreventionGenetics, part of Exact Sciences
Classification: Likely benign for MKKS-related condition. Last evaluated: 2020-12-22. Review status: no assertion criteria provided. Collection method: clinical testing. Allele origin: germline. Not counted in ClinVar's aggregate classification.
Comment: This variant is classified as likely benign based on ACMG/AMP sequence variant interpretation guidelines (Richards et al. 2015 PMID: 25741868, with internal and published modifications).

NM_170784.3(MKKS):c.986-10T>G

Gene: MKKS (MKKS centrosomal shuttling protein; minus strand). Cytogenetic location: 20p12.2.
Variant type: single nucleotide variant.
Coding change: c.986-10T>G on transcript NM_170784.3 (MANE Select); 10 bases into the intron before coding-DNA position 986, T replaced by G.
Molecular consequence: intron variant.
Genome position (GRCh38, 1-based): chr20:10,408,813, A>C on the plus strand (T>G on the coding strand, the complement: MKKS is on the minus strand). VCF-style: chr20-10408813-A-C. GRCh37 (hg19) VCF-style: chr20-10389461-A-C.
Other names: c.986-10T>G (NM_018848.3).
Identifiers: ClinVar variation 1337951 (VCV001337951.8), dbSNP rs368654512, ClinGen allele CA9763581.